The following is an entry in ClinVar:

ClinVar aggregate classification (germline): Likely benign. Review status: criteria provided, single submitter (1 of 4 stars). 2 submissions from 2 submitters: Likely benign (1). 1 of the submissions does not count toward it. Last evaluated 2018-01-05.

Conditions:
MMAB-related disorder. Also called: MMAB-related condition.

Allele frequency attached by ClinVar (database versions not stated): 1000 Genomes Project 30x 0.00031; ESP Exome Variant Server 0.00031; TOPMed 0.00072; gnomAD 0.00076.
gnomAD v4.1: 234 of 1,599,278 alleles (0.015%); highest among the groups gnomAD compares: African/African-American, 0.22%; no homozygotes.

Submissions (2):

GeneDx
Classification: Likely benign. Last evaluated: 2018-01-05. Review status: criteria provided, single submitter. Criteria: GeneDx Variant Classification (06012015). Collection method: clinical testing. Allele origin: germline. Affected: yes.
Comment: This variant is considered likely benign or benign based on one or more of the following criteria: it is a conservative change, it occurs at a poorly conserved position in the protein, it is predicted to be benign by multiple in silico algorithms, and/or has population frequency not consistent with disease.

PreventionGenetics, part of Exact Sciences
Classification: Likely benign for MMAB-related condition. Last evaluated: 2019-08-06. Review status: no assertion criteria provided. Collection method: clinical testing. Allele origin: germline. Not counted in ClinVar's aggregate classification.
Comment: This variant is classified as likely benign based on ACMG/AMP sequence variant interpretation guidelines (Richards et al. 2015 PMID: 25741868, with internal and published modifications).

NM_052845.4(MMAB):c.-7C>G

Genes: MMAB (metabolism of cobalamin associated B; minus strand), MVK (mevalonate kinase; plus strand). Cytogenetic location: 12q24.11.
Variant type: single nucleotide variant.
Coding change: c.-7C>G on transcript NM_052845.4 (MANE Select); 7 bases upstream of the start codon, C replaced by G.
Molecular consequence: 5 prime UTR variant. On other transcripts: non-coding transcript variant (1).
Genome position (GRCh38, 1-based): chr12:109,573,487, G>C on the plus strand (C>G on the coding strand, the complement: MMAB is on the minus strand). VCF-style: chr12-109573487-G-C. GRCh37 (hg19) VCF-style: chr12-110011292-G-C.
Identifiers: ClinVar variation 513728 (VCV000513728.3), dbSNP rs375376922, ClinGen allele CA6779097.
Genomic context (GRCh38, chr12:109,573,487, plus strand): 5'-CAGGCCAAGACGGCTCCCCAGGCCAAGACGGCTCCCCAGGCCGCACACAGCCATGAGCCA[G>C]GCTGCTTGACGGGACCTGACCCCGCCAGGTTCCCGTCCAGTCCGCGGGGTGACTCCACCC-3'